The following is an entry in ClinVar:

NM_014633.5(CTR9):c.1300T>C (p.Tyr434His)

Genes: CTR9 (CTR9 component of Paf1/RNA polymerase II complex; plus strand), LOC126861140 (CDK7 strongly-dependent group 2 enhancer GRCh37_chr11:10785333-10786532; plus strand). Cytogenetic location: 11p15.4.
Variant type: single nucleotide variant.
Coding change: c.1300T>C on transcript NM_014633.5 (MANE Select); coding-DNA position 1300, T replaced by C.
Protein change: p.Tyr434His; replaces tyrosine 434 with histidine.
Molecular consequence: missense variant.
Genome position (GRCh38, 1-based): chr11:10,764,323, T>C. VCF-style: chr11-10764323-T-C. GRCh37 (hg19) VCF-style: chr11-10785870-T-C.
Other names: c.1300T>C, p.Tyr434His (NM_001346279.2); short protein forms Y434H.
Identifiers: ClinVar variation 4529865 (VCV004529865.1).

ClinVar aggregate classification (germline): Uncertain significance (1 of 4 stars; one submission).

Submission:

GeneDx
Classification: Uncertain significance. Last evaluated: 2025-05-14. Review status: criteria provided, single submitter. Criteria: GeneDx Variant Classification Process June 2021. Collection method: clinical testing. Allele origin: germline. Affected: yes.
Comment: Not observed at significant frequency in large population cohorts (gnomAD); In silico analysis supports that this missense variant has a deleterious effect on protein structure/function; Has not been previously published as pathogenic or benign to our knowledge